The following is an entry in ClinVar:

ClinVar aggregate classification (germline): Uncertain significance (1 of 4 stars; one submission).

Conditions:
Spondyloenchondrodysplasia with immune dysregulation (SPENCDI). Also called: COMBINED IMMUNODEFICIENCY WITH AUTOIMMUNITY AND SPONDYLOMETAPHYSEAL DYSPLASIA; SPONDYLOENCHONDRODYSPLASIA WITH OR WITHOUT IMMUNE DYSREGULATION; ROIFMAN IMMUNOSKELETAL SYNDROME. Identifiers: Orphanet 1855, MedGen C1842763, MONDO:0011939, OMIM 607944.

Submission:

Labcorp Genetics (formerly Invitae), Labcorp
Classification: Uncertain significance for Spondyloenchondrodysplasia with immune dysregulation. Last evaluated: 2026-01-05. Review status: criteria provided, single submitter. Criteria: Invitae Variant Classification Sherloc (09022015). Collection method: clinical testing. Allele origin: germline.
Comment: This sequence change replaces isoleucine, which is neutral and non-polar, with threonine, which is neutral and polar, at codon 121 of the ACP5 protein (p.Ile121Thr). This variant is not present in population databases (gnomAD no frequency). This variant has not been reported in the literature in individuals affected with ACP5-related conditions. ClinVar contains an entry for this variant (Variation ID: 1992076). Invitae Evidence Modeling of protein sequence and biophysical properties (such as structural, functional, and spatial information, amino acid conservation, physicochemical variation, residue mobility, and thermodynamic stability) has been performed for this missense variant. However, the output from this modeling did not meet the statistical confidence thresholds required to predict the impact of this variant on ACP5 protein function. In summary, the available evidence is currently insufficient to determine the role of this variant in disease. Therefore, it has been classified as a Variant of Uncertain Significance.

NM_001611.5(ACP5):c.362T>C (p.Ile121Thr)

Gene: ACP5 (acid phosphatase 5, tartrate resistant; minus strand). Cytogenetic location: 19p13.2.
Variant type: single nucleotide variant.
Coding change: c.362T>C on transcript NM_001611.5 (MANE Select); coding-DNA position 362, T replaced by C.
Protein change: p.Ile121Thr; replaces isoleucine 121 with threonine.
Molecular consequence: missense variant.
Genome position (GRCh38, 1-based): chr19:11,576,743, A>G on the plus strand (T>C on the coding strand, the complement: ACP5 is on the minus strand). VCF-style: chr19-11576743-A-G. GRCh37 (hg19) VCF-style: chr19-11687558-A-G.
Other names: c.362T>C, p.Ile121Thr (NM_001111034.3, NM_001111035.3, NM_001111036.3 and 1 more transcripts); short protein forms I121T.
Identifiers: ClinVar variation 1992076 (VCV001992076.2), dbSNP rs2512728446, ClinGen allele CA404148045.
Genomic context (GRCh38, chr19:11,576,743, plus strand): 5'-GGATCTCGGAAGGCAGGGCTGAGGGTGGCTCACCAGCGCTTGGAGATCTTAGAGTATGCA[A>G]TCTGGGCAGAGACATTGCCAAGGTGGTCATGGTTTCCGGCTAGCACGTACCAGGGCACTT-3'
Protein context (NP_001602.1, residues 111-131): HDHLGNVSAQ[Ile121Thr]AYSKISKRWN